The following is an entry in ClinVar:

NM_001130438.3(SPTAN1):c.505-4A>T

Gene: SPTAN1 (spectrin alpha, non-erythrocytic 1; plus strand). Cytogenetic location: 9q34.11.
Variant type: single nucleotide variant.
Coding change: c.505-4A>T on transcript NM_001130438.3 (MANE Select); 4 bases into the intron before coding-DNA position 505, A replaced by T.
Molecular consequence: intron variant.
Genome position (GRCh38, 1-based): chr9:128,575,195, A>T. VCF-style: chr9-128575195-A-T. GRCh37 (hg19) VCF-style: chr9-131337474-A-T.
Other names: c.505-4A>T (NM_001363759.2, NM_003127.4, NM_001363765.2 and 1 more transcripts).
Identifiers: ClinVar variation 416893 (VCV000416893.17), dbSNP rs377129746, ClinGen allele CA5264200.
Genomic context (GRCh38, chr9:128,575,195, plus strand): 5'-TTCTGGAAGCCATTGTTAACAAATGTTGGTTGGTGACTCTGGCTCTCTTATGGTCCCTGA[A>T]TAGGAAGCAATTGTTACTTCTGAAGAGCTGGGCCAGGATCTGGAGCATGTAGAGGTTTTA-3'

ClinVar aggregate classification (germline): Likely benign. Review status: criteria provided, multiple submitters, no conflicts (2 of 4 stars). 3 submissions from 3 submitters: Likely benign (3). Last evaluated 2026-03-12.

Conditions:
Early-infantile DEE. Also called: Early infantile epileptic encephalopathy with suppression bursts; Early infantile epileptic encephalopathy; Ohtahara syndrome. Identifiers: Orphanet 1934, MedGen C0393706, MONDO:0800491.
SPTAN1-related disorder. Also called: SPTAN1-related disorders; SPTAN1-related condition.

Allele frequency attached by ClinVar (database versions not stated): gnomAD exomes 0.00001 and 0.00007; ExAC 0.00002; TOPMed 0.00002; gnomAD 0.00003 and 0.00004; ESP Exome Variant Server 0.00008.
gnomAD v4.1: 103 of 1,614,066 alleles (0.0064%); highest among the groups gnomAD compares: Non-Finnish European, 0.0084%; no homozygotes.

Submissions (3):

PreventionGenetics, part of Exact Sciences
Classification: Likely benign for SPTAN1-related condition. Last evaluated: 2026-03-12. Review status: criteria provided, single submitter. Criteria: ACMG Guidelines, 2015. Collection method: clinical testing. Allele origin: germline.
Comment: This variant is classified as likely benign based on ACMG/AMP sequence variant interpretation guidelines (Richards et al. 2015 PMID: 25741868, with internal and published modifications).

CeGaT Center for Human Genetics Tuebingen
Classification: Likely benign. Last evaluated: 2025-12-01. Review status: criteria provided, single submitter. Criteria: CeGaT Center For Human Genetics Tuebingen Variant Classification Criteria Version 2. Collection method: clinical testing. Allele origin: germline. Affected: yes. Observed: 1 variant allele.
Comment: SPTAN1: BP4

Labcorp Genetics (formerly Invitae), Labcorp
Classification: Likely benign for Early-infantile DEE. Last evaluated: 2025-10-26. Review status: criteria provided, single submitter. Criteria: Invitae Variant Classification Sherloc (09022015). Collection method: clinical testing. Allele origin: germline.